The following is an entry in ClinVar:

NM_015311.3(OBSL1):c.653C>T (p.Ala218Val)

Gene: OBSL1 (obscurin like cytoskeletal adaptor 1; minus strand). Cytogenetic location: 2q35.
Variant type: single nucleotide variant.
Coding change: c.653C>T on transcript NM_015311.3 (MANE Select); coding-DNA position 653, C replaced by T.
Protein change: p.Ala218Val; replaces alanine 218 with valine.
Molecular consequence: missense variant.
Genome position (GRCh38, 1-based): chr2:219,570,580, G>A on the plus strand (C>T on the coding strand, the complement: OBSL1 is on the minus strand). VCF-style: chr2-219570580-G-A. GRCh37 (hg19) VCF-style: chr2-220435302-G-A.
Other names: c.653C>T, p.Ala218Val (NM_001173408.2, NM_001173431.2); short protein forms A218V.
Identifiers: ClinVar variation 1974985 (VCV001974985.5), dbSNP rs1182793569, ClinGen allele CA350764463.

ClinVar aggregate classification (germline): Uncertain significance (1 of 4 stars; one submission).

Submission:

Labcorp Genetics (formerly Invitae), Labcorp
Classification: Uncertain significance. Last evaluated: 2022-06-21. Review status: criteria provided, single submitter. Criteria: Invitae Variant Classification Sherloc (09022015). Collection method: clinical testing. Allele origin: germline.
Comment: Algorithms developed to predict the effect of missense changes on protein structure and function are either unavailable or do not agree on the potential impact of this missense change (SIFT: "Deleterious"; PolyPhen-2: "Benign"; Align-GVGD: "Class C0"). This variant has not been reported in the literature in individuals affected with OBSL1-related conditions. This variant is not present in population databases (gnomAD no frequency). This sequence change replaces alanine, which is neutral and non-polar, with valine, which is neutral and non-polar, at codon 218 of the OBSL1 protein (p.Ala218Val). In summary, the available evidence is currently insufficient to determine the role of this variant in disease. Therefore, it has been classified as a Variant of Uncertain Significance.